The following is an entry in ClinVar:

NM_006059.4(LAMC3):c.2260C>A (p.Pro754Thr)

Gene: LAMC3 (laminin subunit gamma 3; plus strand). Cytogenetic location: 9q34.12.
Variant type: single nucleotide variant.
Coding change: c.2260C>A on transcript NM_006059.4 (MANE Select); coding-DNA position 2260, C replaced by A.
Protein change: p.Pro754Thr; replaces proline 754 with threonine.
Molecular consequence: missense variant.
Genome position (GRCh38, 1-based): chr9:131,061,136, C>A. VCF-style: chr9-131061136-C-A. GRCh37 (hg19) VCF-style: chr9-133936523-C-A.
Other names: c.2260C>A (NM_006059.3); short protein forms P754T.
Identifiers: ClinVar variation 1441220 (VCV001441220.5), dbSNP rs371563171, ClinGen allele CA200710997.
Genomic context (GRCh38, chr9:131,061,136, plus strand): 5'-GAACGCTGTTTGCCAGGTTTCTATGGCAACCCTTTCGCGGGCCAAGCCGACGACTGCCAG[C>A]CCTGTCCCTGCCCTGGCCAGTCGGCCTGTACGACCATCCCAGAGAGCCGGGAGGTGGTGT-3'
Protein context (NP_006050.3, residues 744-764): PFAGQADDCQ[Pro754Thr]CPCPGQSACT

ClinVar aggregate classification (germline): Uncertain significance. Review status: criteria provided, multiple submitters, no conflicts (2 of 4 stars). 2 submissions from 2 submitters: Uncertain significance (2). Last evaluated 2023-04-12.

Conditions:
Inborn genetic diseases. Identifiers: MedGen C0950123, MeSH D030342.

gnomAD v4.1: 9 of 1,613,516 alleles (0.00056%); highest among the groups gnomAD compares: Non-Finnish European, 0.00076%; no homozygotes.

Submissions (2):

Ambry Genetics
Classification: Uncertain significance for Inborn genetic diseases. Last evaluated: 2023-04-12. Review status: criteria provided, single submitter. Criteria: Ambry Variant Classification Scheme 2023. Collection method: clinical testing. Allele origin: germline.

Labcorp Genetics (formerly Invitae), Labcorp
Classification: Uncertain significance. Last evaluated: 2022-07-19. Review status: criteria provided, single submitter. Criteria: Invitae Variant Classification Sherloc (09022015). Collection method: clinical testing. Allele origin: germline.
Comment: ClinVar contains an entry for this variant (Variation ID: 1441220). In summary, the available evidence is currently insufficient to determine the role of this variant in disease. Therefore, it has been classified as a Variant of Uncertain Significance. Algorithms developed to predict the effect of missense changes on protein structure and function are either unavailable or do not agree on the potential impact of this missense change (SIFT: "Tolerated"; PolyPhen-2: "Probably Damaging"; Align-GVGD: "Class C0"). This variant has not been reported in the literature in individuals affected with LAMC3-related conditions. This variant is not present in population databases (gnomAD no frequency). This sequence change replaces proline, which is neutral and non-polar, with threonine, which is neutral and polar, at codon 754 of the LAMC3 protein (p.Pro754Thr).